The following is an entry in ClinVar:

NM_002227.4(JAK1):c.2477G>A (p.Arg826His)

Gene: JAK1 (Janus kinase 1; minus strand). Cytogenetic location: 1p31.3.
Variant type: single nucleotide variant.
Coding change: c.2477G>A on transcript NM_002227.4 (MANE Select); coding-DNA position 2477, G replaced by A.
Protein change: p.Arg826His; replaces arginine 826 with histidine.
Molecular consequence: missense variant.
Genome position (GRCh38, 1-based): chr1:64,841,528, C>T on the plus strand (G>A on the coding strand, the complement: JAK1 is on the minus strand). VCF-style: chr1-64841528-C-T. GRCh37 (hg19) VCF-style: chr1-65307211-C-T.
Other names: c.2477G>A, p.Arg826His (NM_001320923.2, NM_001321852.2, NM_001321853.2 and 3 more transcripts); c.2474G>A, p.Arg825His (NM_001321857.2); short protein forms R826H, R825H.
Identifiers: ClinVar variation 1494263 (VCV001494263.6), dbSNP rs199886153, ClinGen allele CA892659.

ClinVar aggregate classification (germline): Uncertain significance (1 of 4 stars; one submission).

Allele frequency attached by ClinVar (database versions not stated): gnomAD exomes 0.00003 and 0.00001; TOPMed 0.00014; ExAC 0.00003; gnomAD 0.00003.
gnomAD v4.1: 23 of 1,613,958 alleles (0.0014%); highest among the groups gnomAD compares: Admixed American, 0.01%; no homozygotes.

Submission:

Labcorp Genetics (formerly Invitae), Labcorp
Classification: Uncertain significance. Last evaluated: 2026-01-04. Review status: criteria provided, single submitter. Criteria: Invitae Variant Classification Sherloc (09022015). Collection method: clinical testing. Allele origin: germline.
Comment: This sequence change replaces arginine, which is basic and polar, with histidine, which is basic and polar, at codon 826 of the JAK1 protein (p.Arg826His). This variant is present in population databases (rs199886153, gnomAD 0.01%). This variant has not been reported in the literature in individuals affected with JAK1-related conditions. ClinVar contains an entry for this variant (Variation ID: 1494263). Invitae Evidence Modeling of protein sequence and biophysical properties (such as structural, functional, and spatial information, amino acid conservation, physicochemical variation, residue mobility, and thermodynamic stability) indicates that this missense variant is not expected to disrupt JAK1 protein function with a negative predictive value of 80%. In summary, the available evidence is currently insufficient to determine the role of this variant in disease. Therefore, it has been classified as a Variant of Uncertain Significance.